The following is an entry in ClinVar:

NM_001378454.1(ALMS1):c.8611A>G (p.Thr2871Ala)

Gene: ALMS1 (ALMS1 centrosome and basal body associated protein; plus strand). Cytogenetic location: 2p13.1.
Variant type: single nucleotide variant.
Coding change: c.8611A>G on transcript NM_001378454.1 (MANE Select); coding-DNA position 8611, A replaced by G.
Protein change: p.Thr2871Ala; replaces threonine 2871 with alanine.
Molecular consequence: missense variant.
Genome position (GRCh38, 1-based): chr2:73,490,570, A>G. VCF-style: chr2-73490570-A-G. GRCh37 (hg19) VCF-style: chr2-73717697-A-G.
Other names: c.8614A>G, p.Thr2872Ala (NM_015120.4); short protein forms T2872A, T2871A.
Identifiers: ClinVar variation 1435259 (VCV001435259.6), dbSNP rs2103892484, ClinGen allele CA347269687.
Genomic context (GRCh38, chr2:73,490,570, plus strand): 5'-AGTTCCACCCTAGGAGTAAACAGATCGAGTTCCAGACTAGGAGTAAAAGAGAAGAATGTA[A>G]CTATAACTCCAGATCTTCCTTCTTGCATTTTTCTTGAACAACGAGAGCTCTTTGAACAAA-3'
Protein context (NP_001365383.1, residues 2861-2881): SRLGVKEKNV[Thr2871Ala]ITPDLPSCIF

ClinVar aggregate classification (germline): Uncertain significance (1 of 4 stars; one submission).

Conditions:
Alstrom syndrome (ALMS). Identifiers: Orphanet 64, MedGen C0268425, MONDO:0008763, OMIM 203800.

Allele frequency attached by ClinVar (database versions not stated): gnomAD exomes below 0.00001.
gnomAD v4.1: 1 of 1,614,198 alleles (0.000062%); highest among the groups gnomAD compares: Non-Finnish European, 0.000085%; no homozygotes.

Submission:

Labcorp Genetics (formerly Invitae), Labcorp
Classification: Uncertain significance for Alstrom syndrome. Last evaluated: 2021-11-21. Review status: criteria provided, single submitter. Criteria: Invitae Variant Classification Sherloc (09022015). Collection method: clinical testing. Allele origin: germline.
Comment: In summary, the available evidence is currently insufficient to determine the role of this variant in disease. Therefore, it has been classified as a Variant of Uncertain Significance. Experimental studies and prediction algorithms are not available or were not evaluated, and the functional significance of this variant is currently unknown. This variant has not been reported in the literature in individuals affected with ALMS1-related conditions. This variant is not present in population databases (gnomAD no frequency). This sequence change replaces threonine, which is neutral and polar, with alanine, which is neutral and non-polar, at codon 2872 of the ALMS1 protein (p.Thr2872Ala).